The following is an entry in ClinVar:

ClinVar aggregate classification (germline): Uncertain significance. Review status: criteria provided, multiple submitters, no conflicts (2 of 4 stars). 2 submissions from 2 submitters: Uncertain significance (2). Last evaluated 2022-11-01.

Conditions:
Dilated cardiomyopathy 1P (CMD1P). Identifiers: Orphanet 154, MedGen C1835928, MONDO:0012362, OMIM 609909.
Hypertrophic cardiomyopathy 18. Identifiers: MedGen C3151265, MONDO:0013475, OMIM 613874.

Allele frequency attached by ClinVar (database versions not stated): gnomAD 0.00001; TOPMed 0.00003.
gnomAD v4.1: 2 of 152,140 alleles (0.0013%); highest among the groups gnomAD compares: Non-Finnish European, 0.0029%; no homozygotes.

Submissions (2):

Labcorp Genetics (formerly Invitae), Labcorp
Classification: Uncertain significance for Dilated cardiomyopathy 1P. Last evaluated: 2022-11-01. Review status: criteria provided, single submitter. Criteria: Invitae Variant Classification Sherloc (09022015). Collection method: clinical testing. Allele origin: germline.
Comment: This variant occurs in a non-coding region of the PLN gene. It does not change the encoded amino acid sequence of the PLN protein. This variant is not present in population databases (gnomAD no frequency). This variant has been observed in individual(s) with hypertrophic cardiomyopathy (PMID: 21167350). Experimental studies and prediction algorithms are not available or were not evaluated, and the functional significance of this variant is currently unknown. In summary, the available evidence is currently insufficient to determine the role of this variant in disease. Therefore, it has been classified as a Variant of Uncertain Significance.

Fulgent Genetics
Classification: Uncertain significance for Dilated cardiomyopathy 1P; Hypertrophic cardiomyopathy 18. Last evaluated: 2021-08-18. Review status: criteria provided, single submitter. Criteria: ACMG Guidelines, 2015. Collection method: clinical testing. Allele origin: unknown.

Literature cited by the submitters: PubMed 21167350 (cited by Labcorp Genetics (formerly Invitae), Labcorp).

NC_000006.12:g.118548182T>C

Genes: CEP85L (centrosomal protein 85L; minus strand), PLN (phospholamban; plus strand). Cytogenetic location: 6q22.31.
Variant type: single nucleotide variant.
Molecular consequence: intron variant (on NM_001042475.3).
Genome position: GRCh38 VCF-style: chr6-118548182-T-C. GRCh37 (hg19) VCF-style: chr6-118869345-T-C.
Other names: c.1029+17347A>G (NM_001178035.2); c.1020+17347A>G (NM_001042475.3, NM_206921.3); c.-308T>C (NM_002667.5).
Identifiers: ClinVar variation 1504806 (VCV001504806.6), dbSNP rs1230141633, ClinGen allele CA817888113.
Genomic context (GRCh38, chr6:118,548,182, plus strand): 5'-AAAGATGAAGCACAAAGTGTTAATGACTTTTCCATACCTAAAGTAAGAAGTTCTAAAGTT[T>C]GGTTGTGATAAGACTGAGACTGTGGCTAACCAATCGAAACTTCAGAATTCCTATGTGACA-3'